The following is an entry in ClinVar:

ClinVar aggregate classification (germline): Benign/Likely benign. Review status: criteria provided, multiple submitters, no conflicts (2 of 4 stars). 15 submissions from 15 submitters: Benign (6); Likely benign (9). Last evaluated 2026-05-21.

Conditions:
Hereditary cancer-predisposing syndrome. Also called: Tumor predisposition; Neoplastic Syndromes, Hereditary; Hereditary Cancer Syndrome; Hereditary neoplastic syndrome. Identifiers: Orphanet 140162, MedGen C0027672, MeSH D009386, MONDO:0015356.
Neurofibromatosis, type 1 (NF1). Also called: Peripheral type neurofibromatosis; Neurofibromatosis, type I; NEUROFIBROMATOSIS, TYPE I, SOMATIC; VON RECKLINGHAUSEN DISEASE. Identifiers: Orphanet 636, MedGen C0027831, MONDO:0018975, OMIM 162200. Disease mechanism: loss of function.
Café-au-lait macules with pulmonary stenosis (WTSN). Also called: PULMONIC STENOSIS WITH CAFE-AU-LAIT SPOTS. Identifiers: MedGen C0553586, MONDO:0008672, OMIM 193520.
Neurofibromatosis-Noonan syndrome (NFNS). Also called: NEUROFIBROMATOSIS WITH NOONAN PHENOTYPE. Identifiers: Orphanet 638, MedGen C2931482, MONDO:0011035, OMIM 601321. Disease mechanism: loss of function.
Neurofibromatosis, familial spinal (FSNF). Identifiers: Orphanet 636, MedGen C1834235, MONDO:0008078, OMIM 162210. Disease mechanism: loss of function.
Juvenile myelomonocytic leukemia (JMML). Also called: LEUKEMIA, JUVENILE MYELOMONOCYTIC, SOMATIC. Identifiers: Orphanet 86834, MedGen C0349639, MONDO:0011908, OMIM 607785, HP:0012209.

Allele frequency attached by ClinVar (database versions not stated): gnomAD exomes 0.00006 and 0.00015; ExAC 0.00024; 1000 Genomes Project 0.00040; 1000 Genomes Project 30x 0.00047; gnomAD 0.00048 and 0.00052; TOPMed 0.00056; ESP Exome Variant Server 0.00108.
gnomAD v4.1: 167 of 1,613,966 alleles (0.01%); highest among the groups gnomAD compares: African/African-American, 0.2%; no homozygotes.

Submissions (15):

Myriad Genetics, Inc.
Classification: Benign for Neurofibromatosis, type 1. Last evaluated: 2026-05-21. Review status: criteria provided, single submitter. Criteria: Myriad Autosomal Dominant, Autosomal Recessive and X-Linked Classification Criteria (2023). Collection method: clinical testing. Allele origin: unknown.
Comment: This variant is considered benign. This variant is a silent/synonymous amino acid change and it is not expected to impact splicing.

Labcorp Genetics (formerly Invitae), Labcorp
Classification: Benign for Neurofibromatosis, type 1. Last evaluated: 2026-01-28. Review status: criteria provided, single submitter. Criteria: Invitae Variant Classification Sherloc (09022015). Collection method: clinical testing. Allele origin: germline.

Mayo Clinic Laboratories, Mayo Clinic
Classification: Likely benign. Last evaluated: 2025-02-11. Review status: criteria provided, single submitter. Criteria: ACMG Guidelines, 2015. Collection method: clinical testing. Allele origin: germline. Observed: 1 variant allele.
Comment: BS1, BP4, BP7

CeGaT Center for Human Genetics Tuebingen
Classification: Likely benign. Last evaluated: 2024-07-01. Review status: criteria provided, single submitter. Criteria: CeGaT Center For Human Genetics Tuebingen Variant Classification Criteria Version 2. Collection method: clinical testing. Allele origin: germline. Affected: yes. Observed: 1 variant allele.
Comment: NF1: BP4, BP7, BS1

Blueprint Genetics
Classification: Likely benign. Last evaluated: 2024-04-11. Review status: criteria provided, single submitter. Criteria: ACMG Guidelines, 2015. Collection method: clinical testing. Allele origin: germline.

Institute for Biomarker Research, Medical Diagnostic Laboratories, L.L.C.
Classification: Benign for Hereditary cancer-predisposing syndrome. Last evaluated: 2022-10-18. Review status: criteria provided, single submitter. Criteria: ACMG Guidelines, 2015. Collection method: clinical testing. Allele origin: germline.

Genome-Nilou Lab
Classification: Likely benign for Neurofibromatosis, type 1. Last evaluated: 2022-03-15. Review status: criteria provided, single submitter. Criteria: ACMG Guidelines, 2015. Collection method: clinical testing. Allele origin: germline. Affected: no.

Fulgent Genetics
Classification: Likely benign for Neurofibromatosis, type 1; Neurofibromatosis, familial spinal; Café-au-lait macules with pulmonary stenosis; Neurofibromatosis-Noonan syndrome; Juvenile myelomonocytic leukemia. Last evaluated: 2021-12-10. Review status: criteria provided, single submitter. Criteria: ACMG Guidelines, 2015. Collection method: clinical testing. Allele origin: unknown.

Sema4
Classification: Benign for Hereditary cancer-predisposing syndrome. Last evaluated: 2021-09-23. Review status: criteria provided, single submitter. Criteria: Sema4 Curation Guidelines. Collection method: curation. Allele origin: germline.

GeneDx
Classification: Likely benign. Last evaluated: 2020-06-15. Review status: criteria provided, single submitter. Criteria: GeneDx Variant Classification Process June 2021. Collection method: clinical testing. Allele origin: germline. Affected: yes.

ARUP Laboratories, Molecular Genetics and Genomics, ARUP Laboratories
Classification: Benign. Last evaluated: 2017-12-21. Review status: criteria provided, single submitter. Criteria: ARUP Molecular Germline Variant Investigation Process. Collection method: clinical testing. Allele origin: germline.

Women's Health and Genetics/Laboratory Corporation of America, LabCorp
Classification: Likely benign. Last evaluated: 2017-12-04. Review status: criteria provided, single submitter. Criteria: LabCorp Variant Classification Summary - May 2015. Collection method: clinical testing. Allele origin: germline.
Comment: Variant summary: The NF1 c.7398A>G (p.Thr2466Thr) variant involves the alteration of a non-conserved nucleotide, resulting in a synonymous change. One in silico tool predicts a damaging outcome for this variant. 5/5 splice prediction tools predict no significant impact on normal splicing. ESE finder predicts that this variant may affect ESE site of SF2/ASF. However, these predictions have yet to be confirmed by functional studies. This variant was found in 49/277206 control chromosomes, predominantly observed in the African subpopulation at a frequency of 0.001873 (45/24030). This frequency is about 9 times the estimated maximal expected allele frequency of a pathogenic NF1 variant (0.0002084), suggesting this is likely a benign polymorphism found primarily in the populations of African origin. In addition, multiple clinical diagnostic laboratories/reputable databases classified this variant as likely benign/benign. The variant of interest has not, to our knowledge, been reported in affected individuals via publications and/or reputable databases, nor evaluated for functional impact by in vivo/vitro studies. Taken together, this variant is classified as likely benign.

PreventionGenetics, part of Exact Sciences
Classification: Likely benign. Last evaluated: 2017-10-10. Review status: criteria provided, single submitter. Criteria: ACMG Guidelines, 2015. Collection method: clinical testing. Allele origin: germline.

Laboratory for Molecular Medicine, Mass General Brigham Personalized Medicine
Classification: Benign. Last evaluated: 2014-11-24. Review status: criteria provided, single submitter. Criteria: LMM Criteria. Collection method: clinical testing. Allele origin: germline. Observed: 1 variant allele.
Comment: Thr2487Thr in exon 51 of NF1: This variant is not expected to have clinical sign ificance because it does not alter an amino acid residue and is not located with in the splice consensus sequence. It has been identified in 0.3% (14/4406) of Af rican American chromosomes from a broad population by the NHLBI Exome Sequencing Project (dbSNP rs149924365).

Ambry Genetics
Classification: Likely benign for Hereditary cancer-predisposing syndrome. Last evaluated: 2014-06-02. Review status: criteria provided, single submitter. Criteria: Ambry Autosomal Dominant and X-Linked criteria (10/2015). Collection method: clinical testing. Allele origin: germline. Observed: 1 variant allele.

NM_001042492.3(NF1):c.7461A>G (p.Thr2487=)

Gene: NF1 (neurofibromin 1; plus strand). Cytogenetic location: 17q11.2.
Variant type: single nucleotide variant.
Coding change: c.7461A>G on transcript NM_001042492.3 (MANE Select); coding-DNA position 7461, A replaced by G.
Protein change: p.Thr2487=; no amino-acid change (threonine 2487 retained).
Molecular consequence: synonymous variant.
Genome position (GRCh38, 1-based): chr17:31,352,260, A>G. VCF-style: chr17-31352260-A-G. GRCh37 (hg19) VCF-style: chr17-29679278-A-G.
Other names: p.Thr2466=; c.7398A>G, p.Thr2466= (NM_000267.4).
Identifiers: ClinVar variation 185009 (VCV000185009.48), dbSNP rs149924365, ClinGen allele CA190766.